The following is an entry in ClinVar:

ClinVar aggregate classification (germline): Conflicting classifications of pathogenicity. Review status: criteria provided, conflicting classifications (1 of 4 stars). 2 submissions from 2 submitters: Uncertain significance (1); Benign (1). Last evaluated 2025-05-04.

Conditions:
FG syndrome (FGS). Identifiers: MedGen C0220769, MONDO:0002010.
Cardiovascular phenotype. Identifiers: MedGen CN230736.

Allele frequency attached by ClinVar (database versions not stated): TOPMed below 0.00001; gnomAD 0.00001; gnomAD exomes 0.00001 and 0.00002; ExAC 0.00002; ESP Exome Variant Server 0.00010; 1000 Genomes Project 0.00026; 1000 Genomes Project 30x 0.00042.
gnomAD v4.1: 14 of 1,208,253 alleles (0.0012%); highest among the groups gnomAD compares: South Asian, 0.0071%; no homozygotes.

Submissions (2):

Labcorp Genetics (formerly Invitae), Labcorp
Classification: Benign for FG syndrome. Last evaluated: 2025-05-04. Review status: criteria provided, single submitter. Criteria: Invitae Variant Classification Sherloc (09022015). Collection method: clinical testing. Allele origin: germline.

Ambry Genetics
Classification: Uncertain significance for Cardiovascular phenotype. Last evaluated: 2016-09-12. Review status: criteria provided, single submitter. Criteria: Ambry Autosomal Dominant and X-Linked criteria (10/2015). Collection method: clinical testing. Allele origin: germline. Observed: 1 variant allele.
Comment: There is insufficient or conflicting evidence for classification of this alteration.

NM_005120.3(MED12):c.2308G>A (p.Ala770Thr)

Gene: MED12 (mediator complex subunit 12; plus strand). Cytogenetic location: Xq13.1.
Variant type: single nucleotide variant.
Coding change: c.2308G>A on transcript NM_005120.3 (MANE Select); coding-DNA position 2308, G replaced by A.
Protein change: p.Ala770Thr; replaces alanine 770 with threonine.
Molecular consequence: missense variant.
Genome position (GRCh38, 1-based): chrX:71,125,432, G>A. VCF-style: chrX-71125432-G-A. GRCh37 (hg19) VCF-style: chrX-70345282-G-A.
Other names: short protein forms A770T.
Identifiers: ClinVar variation 519904 (VCV000519904.12), dbSNP rs199860580, ClinGen allele CA10444329.